The following is an entry in ClinVar:

NM_000179.3(MSH6):c.261T>C (p.Ser87=)

Gene: MSH6 (mutS homolog 6; plus strand). Cytogenetic location: 2p16.3.
Variant type: single nucleotide variant.
Coding change: c.261T>C on transcript NM_000179.3 (MANE Select); coding-DNA position 261, T replaced by C.
Protein change: p.Ser87=; no amino-acid change (serine 87 retained).
Molecular consequence: synonymous variant. On other transcripts: 5 prime UTR variant (2), intron variant (1).
Genome position (GRCh38, 1-based): chr2:47,790,927, T>C. VCF-style: chr2-47790927-T-C. GRCh37 (hg19) VCF-style: chr2-48018066-T-C.
Other names: c.-476T>C (NM_001281493.2); c.-642T>C (NM_001281494.2); c.237+7457T>C (NM_001281492.2).
Identifiers: ClinVar variation 509115 (VCV000509115.5), dbSNP rs1553410199, ClinGen allele CA425989040.

ClinVar aggregate classification (germline): Likely benign. Review status: criteria provided, multiple submitters, no conflicts (2 of 4 stars). 2 submissions from 2 submitters: Likely benign (2). Last evaluated 2018-05-30.

Conditions:
Hereditary cancer-predisposing syndrome. Also called: Hereditary neoplastic syndrome; Hereditary Cancer Syndrome; Neoplastic Syndromes, Hereditary; Tumor predisposition. Identifiers: Orphanet 140162, MedGen C0027672, MeSH D009386, MONDO:0015356.

Submissions (2):

Ambry Genetics
Classification: Likely benign for Hereditary cancer-predisposing syndrome. Last evaluated: 2018-05-30. Review status: criteria provided, single submitter. Criteria: Ambry Variant Classification Scheme 2023. Collection method: clinical testing. Allele origin: germline.

GeneDx
Classification: Likely benign. Last evaluated: 2017-04-22. Review status: criteria provided, single submitter. Criteria: GeneDx Variant Classification (06012015). Collection method: clinical testing. Allele origin: germline. Affected: yes.
Comment: This variant is considered likely benign or benign based on one or more of the following criteria: it is a conservative change, it occurs at a poorly conserved position in the protein, it is predicted to be benign by multiple in silico algorithms, and/or has population frequency not consistent with disease.